The following is an entry in ClinVar:

ClinVar aggregate classification (germline): Uncertain significance. Review status: criteria provided, multiple submitters, no conflicts (2 of 4 stars). 2 submissions from 2 submitters: Uncertain significance (2). Last evaluated 2026-08-20.

Conditions:
Hereditary cancer-predisposing syndrome. Also called: Neoplastic Syndromes, Hereditary; Hereditary neoplastic syndrome; Hereditary Cancer Syndrome; Tumor predisposition. Identifiers: Orphanet 140162, MedGen C0027672, MeSH D009386, MONDO:0015356.
Pheochromocytoma/paraganglioma syndrome 3. Also called: SDHC-Related Hereditary Paraganglioma-Pheochromocytoma Syndrome (Paragangliomas 3); SDHC-Related Hereditary Paraganglioma-Pheochromocytoma Syndrome; GLOMUS TUMORS, FAMILIAL, 3; Paragangliomas 3. Identifiers: Orphanet 29072, MedGen C1854336, MONDO:0011544, OMIM 605373.
Gastrointestinal stromal tumor. Also called: Gastrointestinal stromal tumor, somatic; Gastrointestinal stroma tumor. Identifiers: Orphanet 44890, MedGen C0238198, MeSH D046152, MONDO:0011719, OMIM 606764, HP:0100723.

Submissions (2):

Ambry Genetics
Classification: Uncertain significance for Hereditary cancer-predisposing syndrome. Last evaluated: 2026-08-20. Review status: criteria provided, single submitter. Criteria: Ambry Variant Classification Scheme 2023. Collection method: clinical testing. Allele origin: germline.
Comment: The p.S163P variant (also known as c.487T>C), located in coding exon 6 of the SDHC gene, results from a T to C substitution at nucleotide position 487. The serine at codon 163 is replaced by proline, an amino acid with similar properties. This variant was reported in individual(s) with features consistent with SDHC-related hereditary pheochromocytoma-paraganglioma (Ambry internal data). This amino acid position is highly conserved in available vertebrate species. In addition, this alteration is predicted to be deleterious by in silico analysis. Based on the available evidence, the clinical significance of this variant remains unclear.

Labcorp Genetics (formerly Invitae), Labcorp
Classification: Uncertain significance for Pheochromocytoma/paraganglioma syndrome 3; Gastrointestinal stromal tumor. Last evaluated: 2023-08-27. Review status: criteria provided, single submitter. Criteria: Invitae Variant Classification Sherloc (09022015). Collection method: clinical testing. Allele origin: germline.
Comment: ClinVar contains an entry for this variant (Variation ID: 486431). Advanced modeling of protein sequence and biophysical properties (such as structural, functional, and spatial information, amino acid conservation, physicochemical variation, residue mobility, and thermodynamic stability) performed at Invitae indicates that this missense variant is expected to disrupt SDHC protein function. In summary, the available evidence is currently insufficient to determine the role of this variant in disease. Therefore, it has been classified as a Variant of Uncertain Significance. This variant has not been reported in the literature in individuals affected with SDHC-related conditions. This sequence change replaces serine, which is neutral and polar, with proline, which is neutral and non-polar, at codon 163 of the SDHC protein (p.Ser163Pro). This variant is not present in population databases (gnomAD no frequency).

NM_003001.5(SDHC):c.487T>C (p.Ser163Pro)

Gene: SDHC (succinate dehydrogenase complex subunit C; plus strand). Cytogenetic location: 1q23.3.
Variant type: single nucleotide variant.
Coding change: c.487T>C on transcript NM_003001.5 (MANE Select); coding-DNA position 487, T replaced by C.
Protein change: p.Ser163Pro; replaces serine 163 with proline.
Molecular consequence: missense variant.
Genome position (GRCh38, 1-based): chr1:161,362,410, T>C. VCF-style: chr1-161362410-T-C. GRCh37 (hg19) VCF-style: chr1-161332200-T-C.
Other names: c.221T>C, p.Leu74Pro (NM_001278172.3); c.607T>C, p.Ser203Pro (NM_001407115.1); c.430T>C, p.Ser144Pro (NM_001407116.1); c.424T>C, p.Ser142Pro (NM_001407117.1); c.379T>C, p.Ser127Pro (NM_001407118.1); c.376T>C, p.Ser126Pro (NM_001407119.1, NM_001407120.1); c.266T>C, p.Leu89Pro (NM_001407121.1); c.323T>C, p.Leu108Pro (NM_001035511.3); and 2 more; short protein forms S163P, L108P, L74P, S129P, S110P, S126P, L89P, S127P.
Identifiers: ClinVar variation 486431 (VCV000486431.14), dbSNP rs1553266506, ClinGen allele CA343457924.